The following is an entry in ClinVar:

NM_001943.5(DSG2):c.2729G>A (p.Arg910Lys)

Genes: DSG2 (desmoglein 2; plus strand), DSG2-AS1 (DSG2 antisense RNA 1; minus strand). Cytogenetic location: 18q12.1.
Variant type: single nucleotide variant.
Coding change: c.2729G>A on transcript NM_001943.5 (MANE Select); coding-DNA position 2729, G replaced by A.
Protein change: p.Arg910Lys; replaces arginine 910 with lysine.
Molecular consequence: missense variant.
Genome position (GRCh38, 1-based): chr18:31,546,115, G>A. VCF-style: chr18-31546115-G-A. GRCh37 (hg19) VCF-style: chr18-29126078-G-A.
Other names: short protein forms R910K.
Identifiers: ClinVar variation 1795264 (VCV001795264.2), dbSNP rs778488673, ClinGen allele CA402146423.

ClinVar aggregate classification (germline): Uncertain significance (1 of 4 stars; one submission).

Conditions:
Cardiovascular phenotype. Identifiers: MedGen CN230736.

Submission:

Ambry Genetics
Classification: Uncertain significance for Cardiovascular phenotype. Last evaluated: 2019-04-08. Review status: criteria provided, single submitter. Criteria: Ambry Variant Classification Scheme 2023. Collection method: clinical testing. Allele origin: germline.
Comment: The p.R910K variant (also known as c.2729G>A), located in coding exon 15 of the DSG2 gene, results from a G to A substitution at nucleotide position 2729. The arginine at codon 910 is replaced by lysine, an amino acid with highly similar properties. This amino acid position is poorly conserved in available vertebrate species. In addition, this alteration is predicted to be tolerated by in silico analysis. Since supporting evidence is limited at this time, the clinical significance of this alteration remains unclear.